The following is an entry in ClinVar:

NM_007259.5(VPS45):c.481G>A (p.Gly161Arg)

Gene: VPS45 (vacuolar protein sorting 45 homolog; plus strand). Cytogenetic location: 1q21.2.
Variant type: single nucleotide variant.
Coding change: c.481G>A on transcript NM_007259.5 (MANE Select); coding-DNA position 481, G replaced by A.
Protein change: p.Gly161Arg; replaces glycine 161 with arginine.
Molecular consequence: missense variant. On other transcripts: intron variant (1).
Genome position (GRCh38, 1-based): chr1:150,077,136, G>A. VCF-style: chr1-150077136-G-A. GRCh37 (hg19) VCF-style: chr1-150049214-G-A.
Other names: c.373G>A, p.Gly125Arg (NM_001279354.2); c.262-533G>A (NM_001279353.2); short protein forms G125R, G161R.
Identifiers: ClinVar variation 960979 (VCV000960979.8), dbSNP rs200134576, ClinGen allele CA1073150.

ClinVar aggregate classification (germline): Uncertain significance. Review status: criteria provided, single submitter (1 of 4 stars). 2 submissions from 2 submitters: Uncertain significance (1). 1 of the submissions does not count toward it. Last evaluated 2022-06-20.

Conditions:
Congenital neutropenia-myelofibrosis-nephromegaly syndrome. Also called: Severe congenital neutropenia 5, autosomal recessive. Identifiers: Orphanet 369852, MedGen C3809031, MONDO:0014118, OMIM 615285.

Allele frequency attached by ClinVar (database versions not stated): ExAC 0.00001; gnomAD 0.00001; TOPMed 0.00001; gnomAD exomes 0.00002 and 0.00003.
gnomAD v4.1: 46 of 1,613,956 alleles (0.0029%); highest among the groups gnomAD compares: African/African-American, 0.0053%; no homozygotes.

Submissions (2):

Labcorp Genetics (formerly Invitae), Labcorp
Classification: Uncertain significance for Congenital neutropenia-myelofibrosis-nephromegaly syndrome. Last evaluated: 2022-06-20. Review status: criteria provided, single submitter. Criteria: Invitae Variant Classification Sherloc (09022015). Collection method: clinical testing. Allele origin: germline.
Comment: This sequence change replaces glycine, which is neutral and non-polar, with arginine, which is basic and polar, at codon 161 of the VPS45 protein (p.Gly161Arg). This variant is present in population databases (rs200134576, gnomAD 0.01%). This variant has not been reported in the literature in individuals affected with VPS45-related conditions. ClinVar contains an entry for this variant (Variation ID: 960979). Algorithms developed to predict the effect of missense changes on protein structure and function are either unavailable or do not agree on the potential impact of this missense change (SIFT: "Deleterious"; PolyPhen-2: "Probably Damaging"; Align-GVGD: "Class C0"). In summary, the available evidence is currently insufficient to determine the role of this variant in disease. Therefore, it has been classified as a Variant of Uncertain Significance.

Natera, Inc.
Classification: Uncertain significance for Autosomal recessive severe congenital neutropenia 5. Last evaluated: 2020-03-27. Review status: no assertion criteria provided. Collection method: clinical testing. Allele origin: germline. Not counted in ClinVar's aggregate classification.